The following is an entry in ClinVar:

ClinVar aggregate classification (germline): Benign (1 of 4 stars; one submission).

Allele frequency attached by ClinVar (database versions not stated): 1000 Genomes Project 0.54473; 1000 Genomes Project 30x 0.56387; TOPMed 0.66536; gnomAD 0.63527.
gnomAD v4.1: 94,054 of 146,648 alleles (64%); highest among the groups gnomAD compares: African/African-American, 91%; 32,889 homozygotes.

Submission:

GeneDx
Classification: Benign. Last evaluated: 2018-06-19. Review status: criteria provided, single submitter. Criteria: GeneDx Variant Classification (06012015). Collection method: clinical testing. Allele origin: germline. Affected: yes.
Comment: This variant is considered likely benign or benign based on one or more of the following criteria: it is a conservative change, it occurs at a poorly conserved position in the protein, it is predicted to be benign by multiple in silico algorithms, and/or has population frequency not consistent with disease.

NM_025265.4(TSEN2):c.1137-275T>C

Gene: TSEN2 (tRNA splicing endonuclease subunit 2; plus strand). Cytogenetic location: 3p25.2.
Variant type: single nucleotide variant.
Coding change: c.1137-275T>C on transcript NM_025265.4 (MANE Select); 275 bases into the intron before coding-DNA position 1137, T replaced by C.
Molecular consequence: intron variant.
Genome position (GRCh38, 1-based): chr3:12,529,487, T>C. VCF-style: chr3-12529487-T-C. GRCh37 (hg19) VCF-style: chr3-12570986-T-C.
Other names: c.1137-275T>C (NM_001321278.2, NM_001145392.2, NM_001321277.2); c.1059-275T>C (NM_001321279.2, NM_001145393.3); c.960-275T>C (NM_001145394.2).
Identifiers: ClinVar variation 667569 (VCV000667569.1), dbSNP rs299634, ClinGen allele CA16135496.